The following is an entry in ClinVar:

NM_015374.3(SUN2):c.2040+19_2040+21delinsGCGTACCTGGGCAGATGCAGGTACGGGAT

Genes: SUN2 (Sad1 and UNC84 domain containing 2; minus strand), GTPBP1 (GTP binding protein 1; plus strand). Cytogenetic location: 22q13.1.
Variant type: Indel.
Coding change: c.2040+19_2040+21delinsGCGTACCTGGGCAGATGCAGGTACGGGAT on transcript NM_015374.3 (MANE Select); bases 19 to 21 of the intron after coding-DNA position 2040, CTA replaced by GCGTACCTGGGCAGATGCAGGTACGGGAT.
Molecular consequence: intron variant. On other transcripts: frameshift variant (1).
Genome position (GRCh38, 1-based): chr22:38,738,152-38,738,154, TAG replaced by ATCCCGTACCTGCATCTGCCCAGGTACGC on the plus strand (CTA replaced by GCGTACCTGGGCAGATGCAGGTACGGGAT on the coding strand, the reverse complement: SUN2 is on the minus strand). VCF-style: chr22-38738152-TAG-ATCCCGTACCTGCATCTGCCCAGGTACGC. GRCh37 (hg19) VCF-style: chr22-39134157-TAG-ATCCCGTACCTGCATCTGCCCAGGTACGC.
Other names: c.2059_2061delinsGCGTACCTGGGCAGATGCAGGTACGGGAT, p.Leu687fs (NM_001394431.1); c.1548+19_1548+21delinsGCGTACCTGGGCAGATGCAGGTACGGGAT (NM_001394443.1); c.1950+19_1950+21delinsGCGTACCTGGGCAGATGCAGGTACGGGAT (NM_001394438.1); c.1902+19_1902+21delinsGCGTACCTGGGCAGATGCAGGTACGGGAT (NM_001394439.1, NM_001394441.1, NM_001394440.1); c.1464+19_1464+21delinsGCGTACCTGGGCAGATGCAGGTACGGGAT (NM_001394444.1, NM_001394445.1); c.1641+19_1641+21delinsGCGTACCTGGGCAGATGCAGGTACGGGAT (NM_001394442.1); c.2037+19_2037+21delinsGCGTACCTGGGCAGATGCAGGTACGGGAT (NM_001394437.1, NM_001394436.1); c.2133+19_2133+21delinsGCGTACCTGGGCAGATGCAGGTACGGGAT (NM_001394427.1); and 3 more; short protein forms L687fs.
Identifiers: ClinVar variation 2022974 (VCV002022974.4), dbSNP rs2517947965, ClinGen allele CA2580099774.
Genomic context (GRCh38, chr22:38,738,152, plus strand): 5'-GGCAGGGTAAGTGCCCAGGGAGCACCTGCTGCCTGGATGGGGAGTCTGCGCCACTTCTGC[TAG>ATCCCGTACCTGCATCTGCCCAGGTACGC]CACAGCAGCATCCCGTACCTGAAAGTGAAACGTCTGAATAGGCTCGCCGTCCTGATCGTA-3'

ClinVar aggregate classification (germline): Uncertain significance (1 of 4 stars; one submission).

Conditions:
Emery-Dreifuss muscular dystrophy (EDMD). Also called: Scapuloperoneal syndrome, X-linked (formerly); Humeroperoneal neuromuscular disease, (formerly). Identifiers: Orphanet 261, MedGen C0410189, MONDO:0016830.

Submission:

Labcorp Genetics (formerly Invitae), Labcorp
Classification: Uncertain significance for Emery-Dreifuss muscular dystrophy. Last evaluated: 2022-08-08. Review status: criteria provided, single submitter. Criteria: Invitae Variant Classification Sherloc (09022015). Collection method: clinical testing. Allele origin: germline.
Comment: This variant is not present in population databases (gnomAD no frequency). This sequence change falls in intron 17 of the SUN2 gene. It does not directly change the encoded amino acid sequence of the SUN2 protein. This variant has not been reported in the literature in individuals affected with SUN2-related conditions. In summary, the available evidence is currently insufficient to determine the role of this variant in disease. Therefore, it has been classified as a Variant of Uncertain Significance. Experimental studies and prediction algorithms are not available or were not evaluated, and the effect of this variant on mRNA splicing is currently unknown.